The following is an entry in ClinVar:

ClinVar aggregate classification (germline): Likely benign. Review status: criteria provided, multiple submitters, no conflicts (2 of 4 stars). 3 submissions from 3 submitters: Likely benign (2). 1 of the submissions does not count toward it. Last evaluated 2026-01-19.

Conditions:
Hereditary cancer-predisposing syndrome. Also called: Neoplastic Syndromes, Hereditary; Tumor predisposition; Hereditary Cancer Syndrome; Hereditary neoplastic syndrome. Identifiers: Orphanet 140162, MedGen C0027672, MeSH D009386, MONDO:0015356.
POLE-related disorder. Also called: POLE-related disorders; POLE-related condition.

Allele frequency attached by ClinVar (database versions not stated): gnomAD 0.00001 and 0.00002; TOPMed 0.00001; gnomAD exomes 0.00004; ExAC 0.00007.
gnomAD v4.1: 60 of 1,614,050 alleles (0.0037%); highest among the groups gnomAD compares: South Asian, 0.061%; 1 homozygote.

Submissions (3):

Labcorp Genetics (formerly Invitae), Labcorp
Classification: Likely benign. Last evaluated: 2026-01-19. Review status: criteria provided, single submitter. Criteria: Invitae Variant Classification Sherloc (09022015). Collection method: clinical testing. Allele origin: germline.

Ambry Genetics
Classification: Likely benign for Hereditary cancer-predisposing syndrome. Last evaluated: 2015-07-15. Review status: criteria provided, single submitter. Criteria: Ambry Variant Classification Scheme 2023. Collection method: clinical testing. Allele origin: germline.

PreventionGenetics, part of Exact Sciences
Classification: Likely benign for POLE-related condition. Last evaluated: 2023-08-29. Review status: no assertion criteria provided. Collection method: clinical testing. Allele origin: germline. Not counted in ClinVar's aggregate classification.
Comment: This variant is classified as likely benign based on ACMG/AMP sequence variant interpretation guidelines (Richards et al. 2015 PMID: 25741868, with internal and published modifications).

NM_006231.4(POLE):c.5529C>T (p.Asn1843=)

Gene: POLE (DNA polymerase epsilon, catalytic subunit; minus strand). Cytogenetic location: 12q24.33.
Variant type: single nucleotide variant.
Coding change: c.5529C>T on transcript NM_006231.4 (MANE Select); coding-DNA position 5529, C replaced by T.
Protein change: p.Asn1843=; no amino-acid change (asparagine 1843 retained).
Molecular consequence: synonymous variant.
Genome position (GRCh38, 1-based): chr12:132,639,148, G>A on the plus strand (C>T on the coding strand, the complement: POLE is on the minus strand). VCF-style: chr12-132639148-G-A. GRCh37 (hg19) VCF-style: chr12-133215734-G-A.
Identifiers: ClinVar variation 484460 (VCV000484460.18), dbSNP rs766130096, ClinGen allele CA6892500.